The following is an entry in ClinVar:

ClinVar aggregate classification (germline): Uncertain significance (1 of 4 stars; one submission).

Conditions:
Autosomal recessive ataxia, Beauce type. Also called: SYNE1 Deficiency; Spinocerebellar ataxia, autosomal recessive 8; ATAXIA, RECESSIVE, OF BEAUCE; SYNE1-Related Autosomal Recessive Cerebellar Ataxia. Identifiers: Orphanet 88644, MedGen C1853116, MONDO:0012549, OMIM 610743.
Emery-Dreifuss muscular dystrophy 4, autosomal dominant (EDMD4). Also called: EMERY-DREIFUSS MUSCULAR DYSTROPHY 4 WITH VARIABLE FEATURES. Identifiers: Orphanet 261, MedGen C2751807, MONDO:0013071, OMIM 612998.

Submission:

Labcorp Genetics (formerly Invitae), Labcorp
Classification: Uncertain significance for Emery-Dreifuss muscular dystrophy 4, autosomal dominant; Autosomal recessive ataxia, Beauce type. Last evaluated: 2022-07-03. Review status: criteria provided, single submitter. Criteria: Invitae Variant Classification Sherloc (09022015). Collection method: clinical testing. Allele origin: germline.
Comment: This sequence change replaces lysine, which is basic and polar, with threonine, which is neutral and polar, at codon 2508 of the SYNE1 protein (p.Lys2508Thr). This variant is not present in population databases (gnomAD no frequency). This variant has not been reported in the literature in individuals affected with SYNE1-related conditions. Algorithms developed to predict the effect of missense changes on protein structure and function are either unavailable or do not agree on the potential impact of this missense change (SIFT: "Deleterious"; PolyPhen-2: "Benign"; Align-GVGD: "Class C0"). In summary, the available evidence is currently insufficient to determine the role of this variant in disease. Therefore, it has been classified as a Variant of Uncertain Significance.

NM_182961.4(SYNE1):c.7502A>C (p.Lys2501Thr)

Gene: SYNE1 (spectrin repeat containing nuclear envelope protein 1; minus strand). Cytogenetic location: 6q25.2.
Variant type: single nucleotide variant.
Coding change: c.7502A>C on transcript NM_182961.4 (MANE Select); coding-DNA position 7502, A replaced by C.
Protein change: p.Lys2501Thr; replaces lysine 2501 with threonine.
Molecular consequence: missense variant.
Genome position (GRCh38, 1-based): chr6:152,396,829, T>G on the plus strand (A>C on the coding strand, the complement: SYNE1 is on the minus strand). VCF-style: chr6-152396829-T-G. GRCh37 (hg19) VCF-style: chr6-152717964-T-G.
Other names: c.7523A>C, p.Lys2508Thr (NM_033071.5); short protein forms K2501T, K2508T.
Identifiers: ClinVar variation 2013653 (VCV002013653.4), dbSNP rs2493732477, ClinGen allele CA366113225.